The following is an entry in ClinVar:

NM_153717.3(EVC):c.66_72delinsCGT (p.Pro23fs)

Gene: EVC (EvC ciliary complex subunit 1; plus strand). Cytogenetic location: 4p16.2.
Variant type: Indel.
Coding change: c.66_72delinsCGT on transcript NM_153717.3 (MANE Select); coding-DNA positions 66 to 72, GCCGGCG replaced by CGT.
Protein change: p.Pro23fs; shifts the reading frame from proline 23.
Molecular consequence: frameshift variant.
Genome position (GRCh38, 1-based): chr4:5,711,446-5,711,452, GCCGGCG replaced by CGT. VCF-style: chr4-5711446-GCCGGCG-CGT. GRCh37 (hg19) VCF-style: chr4-5713173-GCCGGCG-CGT.
Other names: c.66_72delinsCGT, p.Pro23fs (NM_001306090.2, NM_001306092.2); short protein forms P23fs.
Identifiers: ClinVar variation 5015325 (VCV005015325.1).

ClinVar aggregate classification (germline): Pathogenic (1 of 4 stars; one submission).

Conditions:
Ellis-van Creveld syndrome (EVC). Also called: MESOECTODERMAL DYSPLASIA; Chondroectodermal dysplasia. Identifiers: Orphanet 289, MedGen C0013903, MONDO:0009162, OMIM 225500.

Submission:

Myriad Genetics, Inc.
Classification: Pathogenic for Ellis-van Creveld syndrome. Last evaluated: 2025-12-15. Review status: criteria provided, single submitter. Criteria: Myriad Autosomal Dominant, Autosomal Recessive and X-Linked Classification Criteria (2023). Collection method: clinical testing. Allele origin: unknown.
Comment: NM_153717.2(EVC):c.66_72del7ins3(P23Vfs*92) is expected to be pathogenic in the context of EVC-related Ellis-van Creveld syndrome. This variant is predicted to lead to an abnormal or absent protein product due to the creation of a premature termination codon in EVC, a gene where loss-of-function variants are known to be pathogenic. Please note: this variant was assessed in the context of healthy population screening.